The following is an entry in ClinVar:

ClinVar aggregate classification (germline): Pathogenic (1 of 4 stars; one submission).

Conditions:
Familial thoracic aortic aneurysm and aortic dissection (TAAD). Also called: Thoracic aortic aneurysms and dissections. Identifiers: Orphanet 91387, MedGen C4707243, MONDO:0019625.

Submission:

Labcorp Genetics (formerly Invitae), Labcorp
Classification: Pathogenic for Familial thoracic aortic aneurysm and aortic dissection. Last evaluated: 2024-09-27. Review status: criteria provided, single submitter. Criteria: Invitae Variant Classification Sherloc (09022015). Collection method: clinical testing. Allele origin: germline.
Comment: This sequence change creates a premature translational stop signal (p.Ser186Argfs*4) in the SMAD3 gene. It is expected to result in an absent or disrupted protein product. Loss-of-function variants in SMAD3 are known to be pathogenic (PMID: 21778426, 24804794). This variant is not present in population databases (gnomAD no frequency). This variant has not been reported in the literature in individuals affected with SMAD3-related conditions. Algorithms developed to predict the effect of sequence changes on RNA splicing suggest that this variant may disrupt the consensus splice site. For these reasons, this variant has been classified as Pathogenic.

Literature cited by the submitters: PubMed 21778426; PubMed 24804794.

NM_005902.4(SMAD3):c.558_568del (p.Ser186fs)

Gene: SMAD3 (SMAD family member 3; plus strand). Cytogenetic location: 15q22.33.
Variant type: Deletion.
Coding change: c.558_568del on transcript NM_005902.4 (MANE Select); coding-DNA positions 558 to 568, 11 bases deleted (TGAAGATGGAG).
Protein change: p.Ser186fs; shifts the reading frame from serine 186.
Molecular consequence: frameshift variant. On other transcripts: 5 prime UTR variant (2).
Genome position (GRCh38, 1-based): chr15:67,166,804-67,166,814, TGAAGATGGAG deleted; deleting any 11 consecutive bases within chr15:67,166,801-67,166,814 gives the same sequence; the c. name uses the placement nearest the transcript's 3' end. VCF-style (leftmost placement, unchanged base first): chr15-67166800-TGAGTGAAGATG-T. GRCh37 (hg19) VCF-style: chr15-67459138-TGAGTGAAGATG-T.
Other names: c.243_253del, p.Ser81fs (NM_001145102.2, NM_001407016.1); c.426_436del, p.Ser142fs (NM_001145103.2, NM_001407012.1); c.-28_-18del (NM_001145104.2, NM_001407017.1); c.558_568del, p.Ser186fs (NM_001407011.1, NM_001407013.1); c.411_421del, p.Ser137fs (NM_001407014.1); c.111_121del, p.Ser37fs (NM_001407015.1); short protein forms S186fs, S137fs, S142fs, S37fs, S81fs.
Identifiers: ClinVar variation 3721655 (VCV003721655.2).